The following is an entry in ClinVar:

NM_000784.4(CYP27A1):c.646+1G>A

Gene: CYP27A1 (cytochrome P450 family 27 subfamily A member 1; plus strand). Cytogenetic location: 2q35.
Variant type: single nucleotide variant.
Coding change: c.646+1G>A on transcript NM_000784.4 (MANE Select); the canonical splice donor site of the intron after coding-DNA position 646, G replaced by A.
Molecular consequence: splice donor variant.
Genome position (GRCh38, 1-based): chr2:218,812,422, G>A. VCF-style: chr2-218812422-G-A. GRCh37 (hg19) VCF-style: chr2-219677145-G-A.
Identifiers: ClinVar variation 2158077 (VCV002158077.9), dbSNP rs79535262, ClinGen allele CA350585712.

ClinVar aggregate classification (germline): Pathogenic/Likely pathogenic. Review status: criteria provided, multiple submitters, no conflicts (2 of 4 stars). 5 submissions from 5 submitters: Pathogenic (3); Likely pathogenic (2). Last evaluated 2025-11-11.

Conditions:
Cholestanol storage disease (CTX). Also called: Cerebrotendinous Xanthomatosis; CTX: Cerebrotendinous xanthomatosis; CEREBRAL CHOLESTERINOSIS. Identifiers: Orphanet 909, MedGen C0238052, MONDO:0008948, OMIM 213700.
Senior-Loken syndrome 1 (SLSN1). Also called: JUVENILE NEPHRONOPHTHISIS WITH LEBER AMAUROSIS. Identifiers: Orphanet 3156, MedGen C4551559, MONDO:0009962, OMIM 266900.

Allele frequency attached by ClinVar (database versions not stated): gnomAD exomes below 0.00001.
gnomAD v4.1: 1 of 1,614,178 alleles (0.000062%); highest among the groups gnomAD compares: South Asian, 0.0011%; no homozygotes.

Submissions (5):

3billion
Classification: Pathogenic for Cholestanol storage disease. Last evaluated: 2025-11-11. Review status: criteria provided, single submitter. Criteria: ACMG Guidelines, 2015. Collection method: clinical testing. Allele origin: germline. Affected: yes.
Comment: The variant is observed at an extremely low frequency in the gnomAD v4.1.0 dataset (total allele frequency: <0.001%). Predicted Consequence/Location: Canonical splice site: predicted to alter splicing and result in a loss or disruption of normal protein function. Multiple pathogenic loss-of-function variants are reported downstream of the variant. The variant has been reported at least twice as pathogenic with clinical assertions and evidence for the classification (ClinVar ID: VCV002158077 /PMID: 33458645). Therefore, this variant is classified as Pathogenic according to the recommendation of ACMG/AMP guideline.

Fulgent Genetics
Classification: Likely pathogenic for Cholestanol storage disease. Last evaluated: 2024-04-29. Review status: criteria provided, single submitter. Criteria: ACMG Guidelines, 2015. Collection method: clinical testing. Allele origin: germline.

Labcorp Genetics (formerly Invitae), Labcorp
Classification: Likely pathogenic for Cholestanol storage disease. Last evaluated: 2022-02-27. Review status: criteria provided, single submitter. Criteria: Invitae Variant Classification Sherloc (09022015). Collection method: clinical testing. Allele origin: germline.
Comment: In summary, the currently available evidence indicates that the variant is pathogenic, but additional data are needed to prove that conclusively. Therefore, this variant has been classified as Likely Pathogenic. Algorithms developed to predict the effect of sequence changes on RNA splicing suggest that this variant may disrupt the consensus splice site. This variant has not been reported in the literature in individuals affected with CYP27A1-related conditions. This variant is not present in population databases (gnomAD no frequency). This sequence change affects a donor splice site in intron 3 of the CYP27A1 gene. It is expected to disrupt RNA splicing. Variants that disrupt the donor or acceptor splice site typically lead to a loss of protein function (PMID: 16199547), and loss-of-function variants in CYP27A1 are known to be pathogenic (PMID: 9392430, 10775536, 26937392).

Kasturba Medical College, Manipal, Kasturba Medical College, Manipal, Manipal Academy of Higher Education, Manipal, India
Classification: Pathogenic for Cholestanol storage disease. Review status: criteria provided, single submitter. Criteria: ACMG Guidelines, 2015. Collection method: research. Allele origin: biparental. Inheritance: Autosomal recessive inheritance. Affected: yes. Observed: 1 homozygote.
Comment: A known canonical splicing variant, g.218812422G>A (NM_000784.4: c.646+1G>A) in intron 3 of CYP27A1 was observed in homozygous state in proband (Desai KM et al., 2020). This variant is absent in the gnomAD (v4.1.0) population database and in our in-house data of 3274 exomes.

Neuberg Centre For Genomic Medicine, NCGM
Classification: Pathogenic for Senior-Loken syndrome 1. Review status: criteria provided, single submitter. Criteria: ACMG Guidelines, 2015. Collection method: clinical testing. Allele origin: germline. Inheritance: Autosomal recessive inheritance. Affected: yes.

Literature cited by the submitters: PubMed 33458645 (cited by 3billion and Kasturba Medical College, Manipal, Kasturba Medical College, Manipal, Manipal Academy of Higher Education, Manipal, India); PubMed 16199547 (cited by Labcorp Genetics (formerly Invitae), Labcorp); PubMed 9392430 (cited by Labcorp Genetics (formerly Invitae), Labcorp); PubMed 10775536 (cited by Labcorp Genetics (formerly Invitae), Labcorp); PubMed 26937392 (cited by Labcorp Genetics (formerly Invitae), Labcorp).